The following is an entry in ClinVar:

ClinVar aggregate classification (germline): Uncertain significance (1 of 4 stars; one submission).

Conditions:
Long QT syndrome 1 (LQT1). Identifiers: Orphanet 101016, Orphanet 768, MedGen C4551647, MONDO:0100316, OMIM 192500, MONDO:0008646.

Allele frequency attached by ClinVar (database versions not stated): gnomAD exomes below 0.00001.
gnomAD v4.1: 1 of 1,593,370 alleles (0.000063%); highest among the groups gnomAD compares: East Asian, 0.0022%; no homozygotes.

Submission:

Roden Lab, Vanderbilt University Medical Center
Classification: Uncertain significance for Long QT syndrome 1. Last evaluated: 2022-10-05. Review status: criteria provided, single submitter. Criteria: ACMG Guidelines, 2015. Collection method: research, in vitro. Allele origin: unknown, not applicable.
Comment: The intronic KCNQ1 variant c.386+6T>G was observed in a single case of LQTS and was absent from large population databases (PMID: 32893267). In silico splicing algorithms strongly predicted disruption of canonical splicing. Functional assays in CRISPR-edited iPSC-CMs showed only canonical splicing after heterozygous introduction of the variant. At this time, the conflicting critera support a Variant of Uncertain Signifiance classification.

Literature cited by the submitters: PubMed 36197721.

NM_000218.3(KCNQ1):c.386+6T>G

Gene: KCNQ1 (potassium voltage-gated channel subfamily Q member 1; plus strand). Cytogenetic location: 11p15.5.
Variant type: single nucleotide variant.
Coding change: c.386+6T>G on transcript NM_000218.3 (MANE Select); 6 bases into the intron after coding-DNA position 386, T replaced by G.
Molecular consequence: intron variant.
Genome position (GRCh38, 1-based): chr11:2,445,490, T>G. VCF-style: chr11-2445490-T-G. GRCh37 (hg19) VCF-style: chr11-2466720-T-G.
Identifiers: ClinVar variation 1713143 (VCV001713143.1), dbSNP rs2496743199, ClinGen allele CA2580082593.